The following is an entry in ClinVar:

NM_005245.4(FAT1):c.10822G>C (p.Gly3608Arg)

Genes: FAT1 (FAT atypical cadherin 1; minus strand), LOC126807254 (BRD4-independent group 4 enhancer GRCh37_chr4:187524269-187525468; plus strand). Cytogenetic location: 4q35.2.
Variant type: single nucleotide variant.
Coding change: c.10822G>C on transcript NM_005245.4 (MANE Select); coding-DNA position 10822, G replaced by C.
Protein change: p.Gly3608Arg; replaces glycine 3608 with arginine.
Molecular consequence: missense variant.
Genome position (GRCh38, 1-based): chr4:186,603,704, C>G on the plus strand (G>C on the coding strand, the complement: FAT1 is on the minus strand). VCF-style: chr4-186603704-C-G. GRCh37 (hg19) VCF-style: chr4-187524858-C-G.
Other names: c.10822G>C, p.Gly3608Arg (NM_001440457.1, NM_001440455.1, NM_001440456.1); short protein forms G3608R.
Identifiers: ClinVar variation 5016770 (VCV005016770.1).
Genomic context (GRCh38, chr4:186,603,704, plus strand): 5'-TGATGTCGGCCACCGTCGTGAACTTCCCATCTGTTACGCTGACATTGAGAAGGTATTGCC[C>G]TATGTCTAGCTTTTTGTGTGCTATCAGCTTGCCCCCTGTGCTGGAAACAGAGAACAGGTT-3'
Protein context (NP_005236.2, residues 3598-3618): KLIAHKKLDI[Gly3608Arg]QYLLNVSVTD

ClinVar aggregate classification (germline): Uncertain significance (1 of 4 stars; one submission).

gnomAD v4.1: 102 of 1,613,844 alleles (0.0063%); highest among the groups gnomAD compares: Non-Finnish European, 0.0083%; no homozygotes.

Submission:

GeneDx
Classification: Uncertain significance. Last evaluated: 2026-04-05. Review status: criteria provided, single submitter. Criteria: GeneDx Variant Classification Process June 2021. Collection method: clinical testing. Allele origin: germline.
Comment: In silico analysis supports that this missense variant has a deleterious effect on protein structure/function; Has not been previously published as pathogenic or benign to our knowledge